The following is an entry in ClinVar:

NM_176787.5(PIGN):c.2301C>G (p.Phe767Leu)

Gene: PIGN (phosphatidylinositol glycan anchor biosynthesis class N; minus strand). Cytogenetic location: 18q21.33.
Variant type: single nucleotide variant.
Coding change: c.2301C>G on transcript NM_176787.5 (MANE Select); coding-DNA position 2301, C replaced by G.
Protein change: p.Phe767Leu; replaces phenylalanine 767 with leucine.
Molecular consequence: missense variant.
Genome position (GRCh38, 1-based): chr18:62,088,825, G>C on the plus strand (C>G on the coding strand, the complement: PIGN is on the minus strand). VCF-style: chr18-62088825-G-C. GRCh37 (hg19) VCF-style: chr18-59756058-G-C.
Other names: c.2301C>G, p.Phe767Leu (NM_012327.6); c.2301C>G (NM_176787.4); short protein forms F767L.
Identifiers: ClinVar variation 1359269 (VCV001359269.8), dbSNP rs867665036, ClinGen allele CA301694112.
Genomic context (GRCh38, chr18:62,088,825, plus strand): 5'-GGCCCTACGGATGTCATCCAGATATAGCTGTCGAAACTGAGTTATATCAGTATTATAAGA[G>C]AACTGGATACTGGTGAGCTGTGAGATAATAAGAAAAATATTAATGCACAATAACAGTTGG-3'
Protein context (NP_789744.1, residues 757-777): CCKQKLTSIQ[Phe767Leu]SYNTDITQFR

ClinVar aggregate classification (germline): Uncertain significance. Review status: criteria provided, multiple submitters, no conflicts (2 of 4 stars). 3 submissions from 3 submitters: Uncertain significance (3). Last evaluated 2025-05-01.

Conditions:
Multiple congenital anomalies-hypotonia-seizures syndrome 1 (MCAHS1). Also called: PIGN-CDG; Congenital disorder of glycosylation due to PIGN deficiency; GLYCOSYLPHOSPHATIDYLINOSITOL BIOSYNTHESIS DEFECT 3. Identifiers: Orphanet 280633, MedGen C3279775, MONDO:0013563, OMIM 614080.
Inborn genetic diseases. Identifiers: MedGen C0950123, MeSH D030342.

Allele frequency attached by ClinVar (database versions not stated): gnomAD 0.00001 and 0.00002; gnomAD exomes 0.00001 and 0.00002.
gnomAD v4.1: 16 of 1,543,542 alleles (0.001%); highest among the groups gnomAD compares: Non-Finnish European, 0.0014%; no homozygotes.

Submissions (3):

GeneDx
Classification: Uncertain significance. Last evaluated: 2025-05-01. Review status: criteria provided, single submitter. Criteria: GeneDx Variant Classification Process June 2021. Collection method: clinical testing. Allele origin: germline. Affected: yes.
Comment: Not observed at significant frequency in large population cohorts (gnomAD); In silico analysis suggests that this missense variant does not alter protein structure/function; Has not been previously published as pathogenic or benign to our knowledge

Ambry Genetics
Classification: Uncertain significance for Inborn genetic diseases. Last evaluated: 2023-05-26. Review status: criteria provided, single submitter. Criteria: Ambry Variant Classification Scheme 2023. Collection method: clinical testing. Allele origin: germline.

Labcorp Genetics (formerly Invitae), Labcorp
Classification: Uncertain significance for Multiple congenital anomalies-hypotonia-seizures syndrome 1. Last evaluated: 2022-05-31. Review status: criteria provided, single submitter. Criteria: Invitae Variant Classification Sherloc (09022015). Collection method: clinical testing. Allele origin: germline.
Comment: This sequence change replaces phenylalanine, which is neutral and non-polar, with leucine, which is neutral and non-polar, at codon 767 of the PIGN protein (p.Phe767Leu). This variant is present in population databases (no rsID available, gnomAD 0.004%). This variant has not been reported in the literature in individuals affected with PIGN-related conditions. ClinVar contains an entry for this variant (Variation ID: 1359269). Algorithms developed to predict the effect of missense changes on protein structure and function output the following: SIFT: "Deleterious"; PolyPhen-2: "Benign"; Align-GVGD: "Class C0". The leucine amino acid residue is found in multiple mammalian species, which suggests that this missense change does not adversely affect protein function. In summary, the available evidence is currently insufficient to determine the role of this variant in disease. Therefore, it has been classified as a Variant of Uncertain Significance.